The following is an entry in ClinVar:

ClinVar aggregate classification (germline): Uncertain significance (1 of 4 stars; one submission).

Submission:

GeneDx
Classification: Uncertain significance. Last evaluated: 2024-06-12. Review status: criteria provided, single submitter. Criteria: GeneDx Variant Classification Process June 2021. Collection method: clinical testing. Allele origin: germline. Affected: yes.
Comment: Not observed at significant frequency in large population cohorts (gnomAD); In silico analysis supports that this missense variant has a deleterious effect on protein structure/function; Has not been previously published as pathogenic or benign to our knowledge

NM_001040716.2(PC):c.3428T>C (p.Met1143Thr)

Gene: PC (pyruvate carboxylase; minus strand). Cytogenetic location: 11q13.2.
Variant type: single nucleotide variant.
Coding change: c.3428T>C on transcript NM_001040716.2 (MANE Select); coding-DNA position 3428, T replaced by C.
Protein change: p.Met1143Thr; replaces methionine 1143 with threonine.
Molecular consequence: missense variant.
Genome position (GRCh38, 1-based): chr11:66,849,008, A>G on the plus strand (T>C on the coding strand, the complement: PC is on the minus strand). VCF-style: chr11-66849008-A-G. GRCh37 (hg19) VCF-style: chr11-66616479-A-G.
Other names: c.3428T>C, p.Met1143Thr (NM_000920.4, NM_022172.3); short protein forms M1143T.
Identifiers: ClinVar variation 3390420 (VCV003390420.1).
Genomic context (GRCh38, chr11:66,849,008, plus strand): 5'-GTCACATGAACCTTGCGGACAGTACCCTCCATGGGTGAGGTCACCACAGTCTCCATCTTC[A>G]TGGCACTGAGCACACACAGGGGCTGGCCCTTGGCCACCTTGGCCCCTGCCACCACTTTGA-3'
Protein context (NP_001035806.1, residues 1133-1153): KGQPLCVLSA[Met1143Thr]KMETVVTSPM